The following is an entry in ClinVar:

ClinVar aggregate classification (germline): Uncertain significance (1 of 4 stars; one submission).

Allele frequency attached by ClinVar (database versions not stated): gnomAD exomes below 0.00001; TOPMed below 0.00001.
gnomAD v4.1: 3 of 1,613,954 alleles (0.00019%); highest among the groups gnomAD compares: Non-Finnish European, 0.00025%; no homozygotes.

Submission:

Ambry Genetics
Classification: Uncertain significance. Last evaluated: 2022-03-16. Review status: criteria provided, single submitter. Criteria: Ambry Variant Classification Scheme 2023. Collection method: clinical testing. Allele origin: germline.
Comment: The p.V30M variant (also known as c.88G>A), located in coding exon 2 of the RAD54L gene, results from a G to A substitution at nucleotide position 88. The valine at codon 30 is replaced by methionine, an amino acid with highly similar properties. This amino acid position is conserved. In addition, this alteration is predicted to be tolerated by in silico analysis. Since supporting evidence is limited at this time, the clinical significance of this alteration remains unclear.

NM_003579.4(RAD54L):c.88G>A (p.Val30Met)

Gene: RAD54L (RAD54 like; plus strand). Cytogenetic location: 1p34.1.
Variant type: single nucleotide variant.
Coding change: c.88G>A on transcript NM_003579.4 (MANE Select); coding-DNA position 88, G replaced by A.
Protein change: p.Val30Met; replaces valine 30 with methionine.
Molecular consequence: missense variant. On other transcripts: 5 prime UTR variant (1).
Genome position (GRCh38, 1-based): chr1:46,248,596, G>A. VCF-style: chr1-46248596-G-A. GRCh37 (hg19) VCF-style: chr1-46714268-G-A.
Other names: c.88G>A, p.Val30Met (NM_001142548.2); c.-453G>A (NM_001370766.1); short protein forms V30M.
Identifiers: ClinVar variation 1765046 (VCV001765046.2), dbSNP rs1659715102, ClinGen allele CA340174864.
Genomic context (GRCh38, chr1:46,248,596, plus strand): 5'-CTGGCCAAGAGAAAACCTGAAGGCAGGTCCTGTGATGATGAAGACTGGCAACCTGGCCTA[G>A]TGGTGAGCACTCAAGGGGACAGGGAAGGTGGGTAGAGCTGTTTGGACAGAAAAGAAGCCA-3'
Protein context (NP_003570.2, residues 20-40): CDDEDWQPGL[Val30Met]TPRKRKSSSE